The following is an entry in ClinVar:

ClinVar aggregate classification (germline): Uncertain significance. Review status: criteria provided, multiple submitters, no conflicts (2 of 4 stars). 2 submissions from 2 submitters: Uncertain significance (2). Last evaluated 2025-02-26.

Conditions:
GATA5-related disorder. Also called: GATA5-related condition.

Submissions (2):

Labcorp Genetics (formerly Invitae), Labcorp
Classification: Uncertain significance. Last evaluated: 2025-02-26. Review status: criteria provided, single submitter. Criteria: Invitae Variant Classification Sherloc (09022015). Collection method: clinical testing. Allele origin: germline.
Comment: This sequence change replaces glycine, which is neutral and non-polar, with serine, which is neutral and polar, at codon 206 of the GATA5 protein (p.Gly206Ser). This variant is present in population databases (rs141050743, gnomAD 0.004%). This variant has not been reported in the literature in individuals affected with GATA5-related conditions. ClinVar contains an entry for this variant (Variation ID: 2195751). Invitae Evidence Modeling of protein sequence and biophysical properties (such as structural, functional, and spatial information, amino acid conservation, physicochemical variation, residue mobility, and thermodynamic stability) indicates that this missense variant is expected to disrupt GATA5 protein function with a positive predictive value of 80%. In summary, the available evidence is currently insufficient to determine the role of this variant in disease. Therefore, it has been classified as a Variant of Uncertain Significance.

PreventionGenetics, part of Exact Sciences
Classification: Uncertain significance for GATA5-related condition. Last evaluated: 2024-11-03. Review status: criteria provided, single submitter. Criteria: ACMG Guidelines, 2015. Collection method: clinical testing. Allele origin: germline.
Comment: The GATA5 c.616G>A variant is predicted to result in the amino acid substitution p.Gly206Ser. To our knowledge, this variant has not been reported in the literature. This variant is reported in 0.0041% of alleles in individuals of African descent in gnomAD. At this time, the clinical significance of this variant is uncertain due to the absence of conclusive functional and genetic evidence.

NM_080473.5(GATA5):c.616G>A (p.Gly206Ser)

Gene: GATA5 (GATA binding protein 5; minus strand). Cytogenetic location: 20q13.33.
Variant type: single nucleotide variant.
Coding change: c.616G>A on transcript NM_080473.5 (MANE Select); coding-DNA position 616, G replaced by A.
Protein change: p.Gly206Ser; replaces glycine 206 with serine.
Molecular consequence: missense variant.
Genome position (GRCh38, 1-based): chr20:62,473,486, C>T on the plus strand (G>A on the coding strand, the complement: GATA5 is on the minus strand). VCF-style: chr20-62473486-C-T. GRCh37 (hg19) VCF-style: chr20-61048542-C-T.
Other names: c.616G>A (NM_080473.4); short protein forms G206S.
Identifiers: ClinVar variation 2195751 (VCV002195751.5), dbSNP rs141050743, ClinGen allele CA9946266.